The following is an entry in ClinVar:

NM_001282597.3(CTNNA2):c.1742-8dup

Gene: CTNNA2 (catenin alpha 2; plus strand). Cytogenetic location: 2p12.
Variant type: Duplication.
Coding change: c.1742-8dup on transcript NM_001282597.3 (MANE Select); 8 bases into the intron before coding-DNA position 1742, one base duplicated (T; older notation c.1742-8dupT).
Molecular consequence: intron variant.
Genome position (GRCh38, 1-based): chr2:80,574,155, T duplicated; the last of 5 consecutive T bases (chr2:80,574,151-80,574,155); duplicating any one gives the same sequence. VCF-style (leftmost placement, unchanged base first): chr2-80574150-A-AT. GRCh37 (hg19) VCF-style: chr2-80801275-A-AT.
Other names: c.1742-8dup (NM_001399737.1, NM_004389.4, NM_001164883.2); c.1844-8dup (NM_001282598.2); c.638-8dup (NM_001320810.2, NM_001282600.2); c.779-8dup (NM_001282599.2).
Identifiers: ClinVar variation 3032540 (VCV003032540.3), dbSNP rs1457359249, ClinGen allele CA2740095659.

ClinVar aggregate classification (germline): Likely benign. Review status: criteria provided, single submitter (1 of 4 stars). 2 submissions from 2 submitters: Likely benign (1). 1 of the submissions does not count toward it. Last evaluated 2020-05-22.

Conditions:
CTNNA2-related disorder. Also called: CTNNA2-related condition.

Submissions (2):

Blueprint Genetics
Classification: Likely benign. Last evaluated: 2020-05-22. Review status: criteria provided, single submitter. Criteria: ACMG Guidelines, 2015. Collection method: clinical testing. Allele origin: germline.

PreventionGenetics, part of Exact Sciences
Classification: Likely benign for CTNNA2-related condition. Last evaluated: 2020-10-27. Review status: no assertion criteria provided. Collection method: clinical testing. Allele origin: germline. Not counted in ClinVar's aggregate classification.
Comment: This variant is classified as likely benign based on ACMG/AMP sequence variant interpretation guidelines (Richards et al. 2015 PMID: 25741868, with internal and published modifications).